The following is an entry in ClinVar:

ClinVar aggregate classification (germline): Likely benign. Review status: criteria provided, single submitter (1 of 4 stars). 2 submissions from 2 submitters: Likely benign (1). 1 of the submissions does not count toward it. Last evaluated 2022-10-28.

Conditions:
OPA1-related disorder. Also called: OPA1-related condition; OPA1-related disorders.

Allele frequency attached by ClinVar (database versions not stated): ExAC 0.00001; gnomAD exomes 0.00001; gnomAD 0.00002; TOPMed 0.00009; 1000 Genomes Project 0.00020; 1000 Genomes Project 30x 0.00031.
gnomAD v4.1: 17 of 1,575,094 alleles (0.0011%); highest among the groups gnomAD compares: Admixed American, 0.027%; no homozygotes.

Submissions (2):

Blueprint Genetics
Classification: Likely benign. Last evaluated: 2022-10-28. Review status: criteria provided, single submitter. Criteria: ACMG Guidelines, 2015. Collection method: clinical testing. Allele origin: germline.

PreventionGenetics, part of Exact Sciences
Classification: Likely benign for OPA1-related condition. Last evaluated: 2021-11-19. Review status: no assertion criteria provided. Collection method: clinical testing. Allele origin: germline. Not counted in ClinVar's aggregate classification.
Comment: This variant is classified as likely benign based on ACMG/AMP sequence variant interpretation guidelines (Richards et al. 2015 PMID: 25741868, with internal and published modifications).

NM_130837.3(OPA1):c.2179-37G>A

Gene: OPA1 (OPA1 mitochondrial dynamin like GTPase; plus strand). Cytogenetic location: 3q29.
Variant type: single nucleotide variant.
Coding change: c.2179-37G>A on transcript NM_130837.3 (MANE Select); 37 bases into the intron before coding-DNA position 2179, G replaced by A.
Molecular consequence: intron variant.
Genome position (GRCh38, 1-based): chr3:193,657,043, G>A. VCF-style: chr3-193657043-G-A. GRCh37 (hg19) VCF-style: chr3-193374832-G-A.
Other names: c.1642-37G>A (NM_001354664.2); c.1645-37G>A (NM_001354663.2); c.2068-37G>A (NM_130834.3); c.2125-37G>A (NM_130836.3); c.2014-37G>A (NM_015560.3); c.2071-37G>A (NM_130835.3); c.1960-37G>A (NM_130832.3); c.2017-37G>A (NM_130833.3); and 1 more.
Identifiers: ClinVar variation 3036865 (VCV003036865.3), dbSNP rs556754883, ClinGen allele CA2759599.